The following is an entry in ClinVar:

NM_001281740.3(FHOD3):c.2306C>A (p.Ala769Asp)

Gene: FHOD3 (formin homology 2 domain containing 3; plus strand). Cytogenetic location: 18q12.2.
Variant type: single nucleotide variant.
Coding change: c.2306C>A on transcript NM_001281740.3 (MANE Select); coding-DNA position 2306, C replaced by A.
Protein change: p.Ala769Asp; replaces alanine 769 with aspartic acid.
Molecular consequence: missense variant.
Genome position (GRCh38, 1-based): chr18:36,709,164, C>A. VCF-style: chr18-36709164-C-A. GRCh37 (hg19) VCF-style: chr18-34289127-C-A.
Other names: c.1730C>A, p.Ala577Asp (NM_001281739.3); c.1781C>A, p.Ala594Asp (NM_025135.5); c.1781C>A (NM_025135.2); short protein forms A577D, A594D, A769D.
Identifiers: ClinVar variation 4086283 (VCV004086283.2).

ClinVar aggregate classification (germline): Uncertain significance. Review status: criteria provided, multiple submitters, no conflicts (2 of 4 stars). 2 submissions from 2 submitters: Uncertain significance (2). Last evaluated 2025-08-02.

Conditions:
Inborn genetic diseases. Identifiers: MedGen C0950123, MeSH D030342.

Submissions (2):

Ambry Genetics
Classification: Uncertain significance for Inborn genetic diseases. Last evaluated: 2025-08-02. Review status: criteria provided, single submitter. Criteria: Ambry Variant Classification Scheme 2023. Collection method: clinical testing. Allele origin: germline.

GeneDx
Classification: Uncertain significance. Last evaluated: 2025-03-16. Review status: criteria provided, single submitter. Criteria: GeneDx Variant Classification Process June 2021. Collection method: clinical testing. Allele origin: germline. Affected: yes.
Comment: Not observed at significant frequency in large population cohorts (gnomAD); In silico analysis indicates that this missense variant does not alter protein structure/function; Has not been previously published as pathogenic or benign to our knowledge